The following is an entry in ClinVar:

NM_022489.4(INF2):c.1440_1441delinsTT (p.Pro481Ser)

Gene: INF2 (inverted formin 2; plus strand). Cytogenetic location: 14q32.33.
Variant type: Indel.
Coding change: c.1440_1441delinsTT on transcript NM_022489.4 (MANE Select); coding-DNA positions 1440 to 1441, GC replaced by TT.
Protein change: p.Pro481Ser; replaces proline 481 with serine.
Molecular consequence: missense variant.
Genome position (GRCh38, 1-based): chr14:104,707,707-104,707,708, GC replaced by TT. VCF-style: chr14-104707707-GC-TT. GRCh37 (hg19) VCF-style: chr14-105174044-GC-TT.
Other names: c.1440_1441delinsTT, p.Pro481Ser (NM_001031714.4); c.1440_1441delGCinsTT, p.Pro481Ser (NM_001426862.1, NM_001426863.1, NM_001426864.1 and 1 more transcripts); short protein forms P481S.
Identifiers: ClinVar variation 2936983 (VCV002936983.3), dbSNP rs2541920537, ClinGen allele CA2740097218.
Genomic context (GRCh38, chr14:104,707,707, plus strand): 5'-CCCACCCCTGCCAGGCCTGGGGGCCATGGCCCCCCCAGCACCTCCTCTACCACCACCCCT[GC>TT]CAGGCTCCTGTGAGTTCCTGCCCCCACCACCTCCACCACTCCCGGGCTTGGGATGCCCGC-3'
Protein context (NP_071934.3, residues 471-491): PPAPPLPPPL[Pro481Ser]GSCEFLPPPP

ClinVar aggregate classification (germline): Uncertain significance (1 of 4 stars; one submission).

Conditions:
Charcot-Marie-Tooth disease dominant intermediate E. Also called: CHARCOT-MARIE-TOOTH NEUROPATHY WITH FOCAL SEGMENTAL GLOMERULONEPHRITIS. Identifiers: Orphanet 93114, MedGen C4302667, MONDO:0013758, OMIM 614455.
Focal segmental glomerulosclerosis 5 (FSGS5). Identifiers: Orphanet 656, MedGen C2750475, MONDO:0013191, OMIM 613237.

Submission:

Labcorp Genetics (formerly Invitae), Labcorp
Classification: Uncertain significance for Charcot-Marie-Tooth disease dominant intermediate E; Focal segmental glomerulosclerosis 5. Last evaluated: 2023-08-10. Review status: criteria provided, single submitter. Criteria: Invitae Variant Classification Sherloc (09022015). Collection method: clinical testing. Allele origin: germline.
Comment: In summary, the available evidence is currently insufficient to determine the role of this variant in disease. Therefore, it has been classified as a Variant of Uncertain Significance. Experimental studies and prediction algorithms are not available or were not evaluated, and the functional significance of this variant is currently unknown. This sequence change replaces proline, which is neutral and non-polar, with serine, which is neutral and polar, at codon 481 of the INF2 protein (p.Pro481Ser). Information on the frequency of this variant in the gnomAD database is not available, as this variant may be reported differently in the database. This variant has not been reported in the literature in individuals affected with INF2-related conditions.